The following is an entry in ClinVar:

ClinVar aggregate classification (germline): Uncertain significance (1 of 4 stars; one submission).

Submission:

GeneDx
Classification: Uncertain significance. Last evaluated: 2019-07-13. Review status: criteria provided, single submitter. Criteria: GeneDx Variant Classification Process June 2021. Collection method: clinical testing. Allele origin: germline. Affected: yes.
Comment: Not observed in large population cohorts (Lek et al., 2016); In silico analysis, which includes protein predictors and evolutionary conservation, supports a deleterious effect; Has not been previously published as pathogenic or benign to our knowledge

NM_130837.3(OPA1):c.794C>T (p.Ser265Leu)

Gene: OPA1 (OPA1 mitochondrial dynamin like GTPase; plus strand). Cytogenetic location: 3q29.
Variant type: single nucleotide variant.
Coding change: c.794C>T on transcript NM_130837.3 (MANE Select); coding-DNA position 794, C replaced by T.
Protein change: p.Ser265Leu; replaces serine 265 with leucine.
Molecular consequence: missense variant.
Genome position (GRCh38, 1-based): chr3:193,631,616, C>T. VCF-style: chr3-193631616-C-T. GRCh37 (hg19) VCF-style: chr3-193349405-C-T.
Other names: c.260C>T, p.Ser87Leu (NM_001354663.2); c.257C>T, p.Ser86Leu (NM_001354664.2); c.629C>T, p.Ser210Leu (NM_015560.3); c.521C>T, p.Ser174Leu (NM_130831.3); c.575C>T, p.Ser192Leu (NM_130832.3); c.632C>T, p.Ser211Leu (NM_130833.3); c.683C>T, p.Ser228Leu (NM_130834.3); c.686C>T, p.Ser229Leu (NM_130835.3); and 1 more; short protein forms S174L, S192L, S210L, S211L, S228L, S229L, S247L, S265L.
Identifiers: ClinVar variation 1317194 (VCV001317194.2), dbSNP rs1553875179, ClinGen allele CA355785849.